The following is an entry in ClinVar:

ClinVar aggregate classification (germline): Likely pathogenic (1 of 4 stars; one submission).

Conditions:
Autosomal recessive nonsyndromic hearing loss 1A (DFNB1A). Also called: Connexin 26 deafness; Deafness nonsyndromic, Connexin 26 linked; GJB6-Related DFNB 1 Nonsyndromic Hearing Loss and Deafness; Deafness, autosomal recessive 1A; Nonsyndromic Hearing Loss and Deafness, DFNB1; GJB2-Related Autosomal Recessive Nonsyndromic Hearing Loss. Identifiers: Orphanet 90636, MedGen C2673759, MONDO:0009076, OMIM 220290.

Submission:

Department of Otorhinolaryngology, Head and Neck Surgery, Xinhua Hospital, Shanghai Jiao Tong University School of Medicine
Classification: Likely pathogenic for Autosomal recessive nonsyndromic hearing loss 1A. Last evaluated: 2026-06-07. Review status: criteria provided, single submitter. Criteria: ACMG Guidelines, 2015. Collection method: clinical testing. Allele origin: germline. Affected: yes.
Comment: PVS1_Strong + PM2

NM_004004.6(GJB2):c.171dup (p.Pro58fs)

Gene: GJB2 (gap junction protein beta 2; minus strand). Cytogenetic location: 13q12.11.
Variant type: Duplication.
Coding change: c.171dup on transcript NM_004004.6 (MANE Select); coding-DNA position 171, one base duplicated (G; older notation c.171dupG).
Protein change: p.Pro58fs; shifts the reading frame from proline 58.
Molecular consequence: frameshift variant.
Genome position (GRCh38, 1-based): chr13:20,189,411, C duplicated on the plus strand (G on the coding strand, the reverse complement: GJB2 is on the minus strand). VCF-style (leftmost placement, unchanged base first): chr13-20189410-G-GC. GRCh37 (hg19) VCF-style: chr13-20763549-G-GC.
Other names: c.171_172insG (NM_004004.6); short protein forms P58fs.
Identifiers: ClinVar variation 4856984 (VCV004856984.1).
Genomic context (GRCh38, chr13:20,189,410, plus strand): 5'-CCCATAGCCGGATGTGGGAGATGGGGAAGTAGTGATCGTAGCACACGTTCTTGCAGCCTG[G>GC]CTGCAGGGTGTTGCAGACAAAGTCGGCCTGCTCATCTCCCCACACCTCCTTTGCAGCCAC-3'